The following is an entry in ClinVar:

NM_017780.4(CHD7):c.6216C>G (p.Pro2072=)

Gene: CHD7 (chromodomain helicase DNA binding protein 7; plus strand). Cytogenetic location: 8q12.2.
Variant type: single nucleotide variant.
Coding change: c.6216C>G on transcript NM_017780.4 (MANE Select); coding-DNA position 6216, C replaced by G.
Protein change: p.Pro2072=; no amino-acid change (proline 2072 retained).
Molecular consequence: synonymous variant. On other transcripts: intron variant (1).
Genome position (GRCh38, 1-based): chr8:60,852,941, C>G. VCF-style: chr8-60852941-C-G. GRCh37 (hg19) VCF-style: chr8-61765500-C-G.
Other names: c.1717-9288C>G (NM_001316690.1); c.6216C>G, p.(=) (LRG_176t1).
Identifiers: ClinVar variation 95801 (VCV000095801.50), dbSNP rs199828744, ClinGen allele CA223312.

ClinVar aggregate classification (germline): Conflicting classifications of pathogenicity. Review status: criteria provided, conflicting classifications (1 of 4 stars). 9 submissions from 9 submitters: Uncertain significance (1); Benign (4); Likely benign (3). 1 of the submissions does not count toward it. Last evaluated 2026-01-07.

Conditions:
Inborn genetic diseases. Identifiers: MedGen C0950123, MeSH D030342.
CHD7-related disorder. Also called: CHD7-related condition.
Hypogonadotropic hypogonadism 5 with or without anosmia (KAL5). Also called: CHD7-Related GnRH Deficiency (Kallmann Syndrome 5); HYPOGONADOTROPIC HYPOGONADISM 5 WITH ANOSMIA; HYPOGONADOTROPHIC HYPOGONADISM 5 WITHOUT ANOSMIA. Identifiers: Orphanet 478, MedGen C3552553, MONDO:0012880, OMIM 612370. Disease mechanism: loss of function.
CHARGE syndrome (CHARGE). Also called: CHARGE ASSOCIATION--COLOBOMA, HEART ANOMALY, CHOANAL ATRESIA, RETARDATION, GENITAL AND EAR ANOMALIES; Hittner Hirsch Kreh syndrome; Coloboma, heart anomaly, choanal atresia, retardation, genital and ear anomalies; CHARGE association; Hall-Hittner syndrome. Identifiers: Orphanet 138, MedGen C0265354, MONDO:0008965.

Allele frequency attached by ClinVar (database versions not stated): gnomAD 0.00038 and 0.00036; 1000 Genomes Project 30x 0.00016; ExAC 0.00029; TOPMed 0.00039; gnomAD exomes 0.00037; 1000 Genomes Project 0.00020; ESP Exome Variant Server 0.00040.
gnomAD v4.1: 1,233 of 1,613,950 alleles (0.076%); highest among the groups gnomAD compares: Non-Finnish European, 0.098%; 3 homozygotes.

Submissions (9):

Labcorp Genetics (formerly Invitae), Labcorp
Classification: Benign for CHARGE syndrome. Last evaluated: 2026-01-07. Review status: criteria provided, single submitter. Criteria: Invitae Variant Classification Sherloc (09022015). Collection method: clinical testing. Allele origin: germline.

CeGaT Center for Human Genetics Tuebingen
Classification: Likely benign. Last evaluated: 2025-08-01. Review status: criteria provided, single submitter. Criteria: CeGaT Center For Human Genetics Tuebingen Variant Classification Criteria Version 2. Collection method: clinical testing. Allele origin: germline. Affected: yes. Observed: 5 variant alleles.
Comment: CHD7: BP4, BP7

Blueprint Genetics
Classification: Likely benign. Last evaluated: 2024-10-28. Review status: criteria provided, single submitter. Criteria: ACMG Guidelines, 2015. Collection method: clinical testing. Allele origin: germline.

Women's Health and Genetics/Laboratory Corporation of America, LabCorp
Classification: Benign. Last evaluated: 2023-04-10. Review status: criteria provided, single submitter. Criteria: LabCorp Variant Classification Summary - May 2015. Collection method: clinical testing. Allele origin: germline.

GeneDx
Classification: Benign. Last evaluated: 2019-10-22. Review status: criteria provided, single submitter. Criteria: GeneDx Variant Classification Process June 2021. Collection method: clinical testing. Allele origin: germline. Affected: yes.
Comment: This variant is associated with the following publications: (PMID: 23757202, 23885230, 30733481)

Ambry Genetics
Classification: Likely benign for Inborn genetic diseases. Last evaluated: 2018-07-16. Review status: criteria provided, single submitter. Criteria: Ambry Variant Classification Scheme 2023. Collection method: clinical testing. Allele origin: germline.

Illumina Laboratory Services, Illumina
Classification: Benign for Kallmann Syndrome 5. Last evaluated: 2017-04-27. Review status: criteria provided, single submitter. Criteria: ICSL Variant Classification Criteria 13 December 2019. Collection method: clinical testing. Allele origin: germline.
Comment: This variant was observed as part of a predisposition screen in an ostensibly healthy population. A literature search was performed for the gene, cDNA change, and amino acid change (where applicable). No publications were found based on this search. Allele frequency data from public databases was too high to be consistent with this variant causing disease. Therefore, this variant is classified as benign.

Eurofins Ntd Llc (ga)
Classification: Uncertain significance. Last evaluated: 2013-05-28. Review status: criteria provided, single submitter. Criteria: EGL Classification Definitions 2015. Collection method: clinical testing. Allele origin: germline. Observed: 1 variant allele, 1 heterozygote.

PreventionGenetics, part of Exact Sciences
Classification: Likely benign for CHD7-related condition. Last evaluated: 2019-05-08. Review status: no assertion criteria provided. Collection method: clinical testing. Allele origin: germline. Not counted in ClinVar's aggregate classification.
Comment: This variant is classified as likely benign based on ACMG/AMP sequence variant interpretation guidelines (Richards et al. 2015 PMID: 25741868, with internal and published modifications).

Literature cited by the submitters: PubMed 23885230 (cited by Ambry Genetics).